The following is an entry in ClinVar:

ClinVar aggregate classification (germline): Uncertain significance. Review status: criteria provided, multiple submitters, no conflicts (2 of 4 stars). 2 submissions from 2 submitters: Uncertain significance (2). Last evaluated 2025-03-07.

Allele frequency attached by ClinVar (database versions not stated): gnomAD exomes below 0.00001; ExAC 0.00001; TOPMed 0.00002; gnomAD 0.00003.
gnomAD v4.1: 8 of 1,613,980 alleles (0.0005%); highest among the groups gnomAD compares: African/African-American, 0.0093%; no homozygotes.

Submissions (2):

Ambry Genetics
Classification: Uncertain significance. Last evaluated: 2025-03-07. Review status: criteria provided, single submitter. Criteria: Ambry Variant Classification Scheme 2023. Collection method: clinical testing. Allele origin: germline.
Comment: The p.V717A variant (also known as c.2150T>C), located in coding exon 12 of the ATRIP gene, results from a T to C substitution at nucleotide position 2150. The valine at codon 717 is replaced by alanine, an amino acid with similar properties. This amino acid position is conserved. In addition, this alteration is predicted to be tolerated by in silico analysis. Based on the available evidence, the clinical significance of this variant remains unclear.

Labcorp Genetics (formerly Invitae), Labcorp
Classification: Uncertain significance. Last evaluated: 2023-10-15. Review status: criteria provided, single submitter. Criteria: Invitae Variant Classification Sherloc (09022015). Collection method: clinical testing. Allele origin: germline.
Comment: This sequence change replaces valine, which is neutral and non-polar, with alanine, which is neutral and non-polar, at codon 717 of the ATRIP protein (p.Val717Ala). This variant is present in population databases (rs766900863, gnomAD 0.01%). This variant has not been reported in the literature in individuals affected with ATRIP-related conditions. An algorithm developed to predict the effect of missense changes on protein structure and function (PolyPhen-2) suggests that this variant is likely to be disruptive. In summary, the available evidence is currently insufficient to determine the role of this variant in disease. Therefore, it has been classified as a Variant of Uncertain Significance.

NM_130384.3(ATRIP):c.2150T>C (p.Val717Ala)

Genes: ATRIP (ATR interacting protein; plus strand), ATRIP-TREX1 (ATRIP-TREX1 readthrough; plus strand). Cytogenetic location: 3p21.31.
Variant type: single nucleotide variant.
Coding change: c.2150T>C on transcript NM_130384.3 (MANE Select); coding-DNA position 2150, T replaced by C.
Protein change: p.Val717Ala; replaces valine 717 with alanine.
Molecular consequence: missense variant. On other transcripts: non-coding transcript variant (1).
Genome position (GRCh38, 1-based): chr3:48,464,925, T>C. VCF-style: chr3-48464925-T-C. GRCh37 (hg19) VCF-style: chr3-48506324-T-C.
Other names: c.1769T>C, p.Val590Ala (NM_001271022.2); c.1871T>C, p.Val624Ala (NM_001271023.2); c.2069T>C, p.Val690Ala (NM_032166.4); c.2150T>C (NM_130384.1); short protein forms V624A, V690A, V590A, V717A.
Identifiers: ClinVar variation 2787823 (VCV002787823.3), dbSNP rs766900863, ClinGen allele CA2376412.
Genomic context (GRCh38, chr3:48,464,925, plus strand): 5'-AGTGGCTGACAGTGCGGAGGGCAGGGGGACCCCCAAGGACCGACCAGCAGAGGCGGACAG[T>C]GCGCTGTCTGCGGGACACGGTGCTGCTGCTGCACGGCCTATCGCAGAAGGACAAGCTCTT-3'
Protein context (NP_569055.1, residues 707-727): PPRTDQQRRT[Val717Ala]RCLRDTVLLL